The following is an entry in ClinVar:

NM_000337.6(SGCD):c.98G>A (p.Arg33Gln)

Gene: SGCD (sarcoglycan delta; plus strand). Cytogenetic location: 5q33.3.
Variant type: single nucleotide variant.
Coding change: c.98G>A on transcript NM_000337.6 (MANE Select); coding-DNA position 98, G replaced by A.
Protein change: p.Arg33Gln; replaces arginine 33 with glutamine.
Molecular consequence: missense variant.
Genome position (GRCh38, 1-based): chr5:156,344,583, G>A. VCF-style: chr5-156344583-G-A. GRCh37 (hg19) VCF-style: chr5-155771593-G-A.
Other names: c.98G>A, p.Arg33Gln (NM_172244.3); c.95G>A, p.Arg32Gln (NM_001128209.2); short protein forms R33Q, R32Q.
Identifiers: ClinVar variation 532692 (VCV000532692.10), dbSNP rs1488623227, ClinGen allele CA362007686.

ClinVar aggregate classification (germline): Uncertain significance. Review status: criteria provided, multiple submitters, no conflicts (2 of 4 stars). 5 submissions from 4 submitters: Uncertain significance (5). Last evaluated 2024-08-24.

Conditions:
Inborn genetic diseases. Identifiers: MedGen C0950123, MeSH D030342.
Autosomal recessive limb-girdle muscular dystrophy type 2F (LGMDR6). Also called: MUSCULAR DYSTROPHY, LIMB-GIRDLE, AUTOSOMAL RECESSIVE 6; Muscular dystrophy limb-girdle with delta-sarcoglyan deficiency. Identifiers: Orphanet 219, MedGen C1832525, MONDO:0011028, OMIM 601287. Disease mechanism: Affects gamma-sarcoglycan and also disrupts the integrity of the entire sarcoglycan complex..
Dilated cardiomyopathy 1L (CMD1L). Identifiers: Orphanet 154, MedGen C1847667, MONDO:0011702, OMIM 606685.

Allele frequency attached by ClinVar (database versions not stated): gnomAD exomes 0.00001 and 0.00002; gnomAD 0.00002; TOPMed 0.00002.
gnomAD v4.1: 16 of 1,612,088 alleles (0.00099%); highest among the groups gnomAD compares: East Asian, 0.013%; no homozygotes.

Submissions (5):

Ambry Genetics
Classification: Uncertain significance for Inborn genetic diseases. Last evaluated: 2024-08-24. Review status: criteria provided, single submitter. Criteria: Ambry Variant Classification Scheme 2023. Collection method: clinical testing. Allele origin: germline.
Comment: The p.R33Q variant (also known as c.98G>A), located in coding exon 2 of the SGCD gene, results from a G to A substitution at nucleotide position 98. The arginine at codon 33 is replaced by glutamine, an amino acid with highly similar properties. This amino acid position is conserved. In addition, this alteration is predicted to be deleterious by in silico analysis. Since supporting evidence is limited at this time, the clinical significance of this alteration remains unclear.

Genome-Nilou Lab
Classification: Uncertain significance for Autosomal recessive limb-girdle muscular dystrophy type 2F. Last evaluated: 2023-02-08. Review status: criteria provided, single submitter. Criteria: ACMG Guidelines, 2015. Collection method: clinical testing. Allele origin: germline.

Genome-Nilou Lab
Classification: Uncertain significance for Dilated cardiomyopathy 1L. Last evaluated: 2023-02-08. Review status: criteria provided, single submitter. Criteria: ACMG Guidelines, 2015. Collection method: clinical testing. Allele origin: germline.

Labcorp Genetics (formerly Invitae), Labcorp
Classification: Uncertain significance for Autosomal recessive limb-girdle muscular dystrophy type 2F. Last evaluated: 2022-07-19. Review status: criteria provided, single submitter. Criteria: Invitae Variant Classification Sherloc (09022015). Collection method: clinical testing. Allele origin: germline.
Comment: This sequence change replaces arginine, which is basic and polar, with glutamine, which is neutral and polar, at codon 33 of the SGCD protein (p.Arg33Gln). This variant is present in population databases (no rsID available, gnomAD 0.02%). This variant has not been reported in the literature in individuals affected with SGCD-related conditions. ClinVar contains an entry for this variant (Variation ID: 532692). Algorithms developed to predict the effect of missense changes on protein structure and function are either unavailable or do not agree on the potential impact of this missense change (SIFT: "Deleterious"; PolyPhen-2: "Probably Damaging"; Align-GVGD: "Class C0"). In summary, the available evidence is currently insufficient to determine the role of this variant in disease. Therefore, it has been classified as a Variant of Uncertain Significance.

Revvity Omics, Revvity
Classification: Uncertain significance. Last evaluated: 2021-05-26. Review status: criteria provided, single submitter. Criteria: ACMG Guidelines, 2015. Collection method: clinical testing. Allele origin: germline.